The following is an entry in ClinVar:

NM_015144.3(ZCCHC14):c.2910C>T (p.Ser970=)

Gene: ZCCHC14 (zinc finger CCHC-type containing 14; minus strand). Cytogenetic location: 16q24.2.
Variant type: single nucleotide variant.
Coding change: c.2910C>T on transcript NM_015144.3 (MANE Select); coding-DNA position 2910, C replaced by T.
Protein change: p.Ser970=; no amino-acid change (serine 970 retained).
Molecular consequence: synonymous variant.
Genome position (GRCh38, 1-based): chr16:87,411,811, G>A on the plus strand (C>T on the coding strand, the complement: ZCCHC14 is on the minus strand). VCF-style: chr16-87411811-G-A. GRCh37 (hg19) VCF-style: chr16-87445417-G-A.
Identifiers: ClinVar variation 2646956 (VCV002646956.24), dbSNP rs138128554, ClinGen allele CA8219722.

ClinVar aggregate classification (germline): Likely benign (1 of 4 stars; one submission).

Allele frequency attached by ClinVar (database versions not stated): ESP Exome Variant Server 0.00023; gnomAD 0.00031; ExAC 0.00035; TOPMed 0.00039; gnomAD exomes 0.00054.
gnomAD v4.1: 821 of 1,611,590 alleles (0.051%); highest among the groups gnomAD compares: Middle Eastern, 0.12%; no homozygotes.

Submission:

CeGaT Center for Human Genetics Tuebingen
Classification: Likely benign. Last evaluated: 2023-12-01. Review status: criteria provided, single submitter. Criteria: CeGaT Center For Human Genetics Tuebingen Variant Classification Criteria Version 2. Collection method: clinical testing. Allele origin: germline. Affected: yes. Observed: 2 variant alleles.
Comment: ZCCHC14: BP4, BP7